The following is an entry in ClinVar:

ClinVar aggregate classification (germline): Uncertain significance. Review status: criteria provided, multiple submitters, no conflicts (2 of 4 stars). 2 submissions from 2 submitters: Uncertain significance (2). Last evaluated 2022-08-19.

Conditions:
X-linked agammaglobulinemia with growth hormone deficiency (IGHD3). Also called: AGAMMAGLOBULINEMIA AND ISOLATED GROWTH HORMONE DEFICIENCY, X-LINKED; FLEISHER SYNDROME; HYPOGAMMAGLOBULINEMIA AND ISOLATED GROWTH HORMONE DEFICIENCY, X-LINKED; ISOLATED GROWTH HORMONE DEFICIENCY, TYPE III, WITH AGAMMAGLOBULINEMIA; IGHD III; Isolated growth hormone deficiency type 3. Identifiers: Orphanet 231692, Orphanet 631, MedGen C0472813, MONDO:0010615, OMIM 307200.

Submissions (2):

Labcorp Genetics (formerly Invitae), Labcorp
Classification: Uncertain significance for X-linked agammaglobulinemia with growth hormone deficiency. Last evaluated: 2022-08-19. Review status: criteria provided, single submitter. Criteria: Invitae Variant Classification Sherloc (09022015). Collection method: clinical testing. Allele origin: germline.
Comment: In summary, the available evidence is currently insufficient to determine the role of this variant in disease. Therefore, it has been classified as a Variant of Uncertain Significance. Advanced modeling of protein sequence and biophysical properties (such as structural, functional, and spatial information, amino acid conservation, physicochemical variation, residue mobility, and thermodynamic stability) performed at Invitae indicates that this missense variant is not expected to disrupt BTK protein function. This variant has not been reported in the literature in individuals affected with BTK-related conditions. This variant is not present in population databases (gnomAD no frequency). This sequence change replaces methionine, which is neutral and non-polar, with threonine, which is neutral and polar, at codon 286 of the BTK protein (p.Met286Thr).

GeneDx
Classification: Uncertain significance. Last evaluated: 2022-06-28. Review status: criteria provided, single submitter. Criteria: GeneDx Variant Classification Process June 2021. Collection method: clinical testing. Allele origin: germline. Affected: yes.
Comment: Not observed at significant frequency in large population cohorts (gnomAD); In silico analysis supports that this missense variant does not alter protein structure/function; Has not been previously published as pathogenic or benign to our knowledge

NM_000061.3(BTK):c.857T>C (p.Met286Thr)

Gene: BTK (Bruton tyrosine kinase; minus strand). Cytogenetic location: Xq22.1.
Variant type: single nucleotide variant.
Coding change: c.857T>C on transcript NM_000061.3 (MANE Select); coding-DNA position 857, T replaced by C.
Protein change: p.Met286Thr; replaces methionine 286 with threonine.
Molecular consequence: missense variant.
Genome position (GRCh38, 1-based): chrX:101,359,330, A>G on the plus strand (T>C on the coding strand, the complement: BTK is on the minus strand). VCF-style: chrX-101359330-A-G. GRCh37 (hg19) VCF-style: chrX-100614318-A-G.
Other names: c.959T>C, p.Met320Thr (NM_001287344.2); c.857T>C, p.Met286Thr (NM_001287345.2); short protein forms M286T, M320T.
Identifiers: ClinVar variation 1809990 (VCV001809990.6), dbSNP rs2520579514, ClinGen allele CA413930133.